The following continues an entry in ClinVar:

NM_000492.4(CFTR):c.3846G>A (p.Trp1282Ter)

ClinVar aggregate classification (germline): Pathogenic. Pathogenic (1).

Submissions 32 to 42 of 42:

Women's Health and Genetics/Laboratory Corporation of America, LabCorp
Classification: Pathogenic. Last evaluated: 2017-09-05. Review status: criteria provided, single submitter. Criteria: LabCorp Variant Classification Summary - May 2015. Collection method: clinical testing. Allele origin: germline. Not counted in ClinVar's aggregate classification.
Comment: Variant summary: The CFTR c.3846G>A (p.Trp1282X) variant results in a premature termination codon, predicted to cause a truncated or absent CFTR protein due to nonsense mediated decay, which are commonly known mechanisms for disease. One in silico tool predicts a damaging outcome for this variant. This variant was found in 46/120654 control chromosomes at a frequency of 0.0003813, which does not exceed the estimated maximal expected allele frequency of a pathogenic CFTR variant (0.0129603). The variant is a common disease variant reported in numerous affected individuals in the literature. In addition, multiple clinical diagnostic laboratories/reputable databases classified this variant as pathogenic, including CFTR2. Taken together, this variant is classified as pathogenic.

Laboratory for Molecular Medicine, Mass General Brigham Personalized Medicine
Classification: Pathogenic for Cystic Fibrosis. Last evaluated: 2014-12-15. Review status: criteria provided, single submitter. Criteria: LMM Criteria. Collection method: clinical testing. Allele origin: germline. Inheritance: Autosomal recessive inheritance. Observed: 2 variant alleles. Study: CSER-MedSeq. Not counted in ClinVar's aggregate classification.
Comment: The Trp1282X variant in CFTR has been identified in numerous patients with cystic fibrosis (Viduad 1990, Kerem 1990, Hamosh 1991, Shoshani 1992). This variant is present on the American Board of Medical Genetics CFTR mutation panel. This nonsense variant leads to a premature termination codon at position 1282, which is predicted to lead to a truncated or absent protein. In summary, this variant meets our criteria for pathogenicity.

Baylor Genetics
Classification: Pathogenic for Congenital bilateral aplasia of vas deferens from CFTR mutation; Cystic fibrosis. Review status: criteria provided, single submitter. Criteria: ACMG Guidelines, 2015. Collection method: clinical testing. Allele origin: germline. Not counted in ClinVar's aggregate classification.

Kariminejad - Najmabadi Pathology & Genetics Center
Classification: Pathogenic for Cystic fibrosis. Review status: criteria provided, single submitter. Criteria: ACMG Guidelines, 2015. Collection method: clinical testing. Allele origin: germline. Affected: no. Not counted in ClinVar's aggregate classification.

Genome Diagnostics Laboratory, The Hospital for Sick Children
Classification: Pathogenic for CFTR-related disorders. Last evaluated: 2019-07-29. Review status: no assertion criteria provided. Collection method: clinical testing. Allele origin: germline. Not counted in ClinVar's aggregate classification.

OMIM
Classification: Pathogenic for CYSTIC FIBROSIS. Last evaluated: 2003-01-30. Review status: no assertion criteria provided. Collection method: literature only. Allele origin: germline. Not counted in ClinVar's aggregate classification.

Clinical Genetics DNA and cytogenetics Diagnostics Lab, Erasmus MC, Erasmus Medical Center
Classification: Pathogenic. Review status: no assertion criteria provided. Collection method: clinical testing. Allele origin: germline. Affected: yes. Study: VKGL Data-share Consensus. Not counted in ClinVar's aggregate classification.

Diagnostic Laboratory, Department of Genetics, University Medical Center Groningen
Classification: Pathogenic. Review status: no assertion criteria provided. Collection method: clinical testing. Allele origin: germline. Affected: yes. Study: VKGL Data-share Consensus. Not counted in ClinVar's aggregate classification.

GeneReviews
No classification provided. Condition: Cystic fibrosis. Review status: no classification provided. Collection method: literature only. Allele origin: unknown. Not counted in ClinVar's aggregate classification.

Genomics And Bioinformatics Analysis Resource, Columbia University
Classification: Pathogenic for Cystic fibrosis. Review status: no assertion criteria provided. Collection method: research. Allele origin: unknown. Affected: yes. Not counted in ClinVar's aggregate classification.
Comment: Compound Heterozygous

Joint Genome Diagnostic Labs from Nijmegen and Maastricht, Radboudumc and MUMC+
Classification: Pathogenic. Review status: no assertion criteria provided. Collection method: clinical testing. Allele origin: germline. Affected: yes. Study: VKGL Data-share Consensus. Not counted in ClinVar's aggregate classification.

Literature cited by the submitters: PMC 3110945 (cited by American College of Medical Genetics and Genomics  (ACMG)); PubMed 2210768 (cited by 5 submitters); PubMed 23974870 (cited by 5 submitters); PubMed 24631642 (cited by Ambry Genetics); PubMed 1695717 (cited by Labcorp Genetics (formerly Invitae), Labcorp and Sema4); PubMed 7691345 (cited by Labcorp Genetics (formerly Invitae), Labcorp); PubMed 9725922 (cited by Labcorp Genetics (formerly Invitae), Labcorp); PubMed 2475911 (cited by Labcorp Genetics (formerly Invitae), Labcorp); PubMed 15371902 (cited by Labcorp Genetics (formerly Invitae), Labcorp and GeneReviews); PubMed 2236053 (cited by 3 submitters); PubMed 10923036 (cited by Natera, Inc.); PubMed 32843167 (cited by Natera, Inc.); PubMed 10639207 (cited by Quest Diagnostics Nichols Institute San Juan Capistrano and AiLife Diagnostics); PubMed 1370365 (cited by 4 submitters); PubMed 29298718 (cited by Quest Diagnostics Nichols Institute San Juan Capistrano and AiLife Diagnostics); PubMed 30803905 (cited by Dasa); PubMed 32332735 (cited by Dasa); PubMed 30602999 (cited by Dasa and AiLife Diagnostics); PubMed 31589614 (cited by Dasa and AiLife Diagnostics); PubMed 32429104 (cited by 3 submitters); PubMed 29261177 (cited by AiLife Diagnostics); PubMed 9630075 (cited by AiLife Diagnostics); PubMed 31036917 (cited by AiLife Diagnostics); PubMed 18456578 (cited by AiLife Diagnostics); PubMed 25333069 (cited by AiLife Diagnostics); PubMed 7545856 (cited by AiLife Diagnostics); PubMed 31980526 (cited by AiLife Diagnostics); PubMed 22975760 (cited by AiLife Diagnostics); PubMed 23951356 (cited by AiLife Diagnostics); PubMed 19885835 (cited by AiLife Diagnostics); PubMed 22658665 (cited by AiLife Diagnostics); PubMed 32281737 (cited by AiLife Diagnostics); PubMed 30487145 (cited by AiLife Diagnostics); PubMed 21520337 (cited by AiLife Diagnostics); PubMed 25087612 (cited by AiLife Diagnostics); PubMed 23378603 (cited by AiLife Diagnostics); PubMed 9806422 (cited by AiLife Diagnostics); PubMed 25525159 (cited by AiLife Diagnostics); PubMed 8825494 (cited by Illumina Laboratory Services, Illumina); PubMed 12767731 (cited by Women's Health and Genetics/Laboratory Corporation of America, LabCorp); PubMed 27707539 (cited by Women's Health and Genetics/Laboratory Corporation of America, LabCorp); PubMed 1721624 (cited by Laboratory for Molecular Medicine, Mass General Brigham Personalized Medicine); Hamosh, A. Personal Communication. 2018. Baltimore, Md. (cited by OMIM); PubMed 7520798 (cited by OMIM); PubMed 12503104 (cited by OMIM); PubMed 20301428 (cited by GeneReviews).